The following is an entry in ClinVar:

ClinVar aggregate classification (germline): Uncertain significance. Review status: criteria provided, multiple submitters, no conflicts (2 of 4 stars). 2 submissions from 2 submitters: Uncertain significance (2). Last evaluated 2024-02-25.

Conditions:
Pitt-Hopkins-like syndrome 2 (PTHSL2). Identifiers: Orphanet 221150, Orphanet 600663, MedGen C3280479, MONDO:0013690, OMIM 614325.
Inborn genetic diseases. Identifiers: MedGen C0950123, MeSH D030342.

Allele frequency attached by ClinVar (database versions not stated): TOPMed 0.00001.

Submissions (2):

Labcorp Genetics (formerly Invitae), Labcorp
Classification: Uncertain significance for Pitt-Hopkins-like syndrome 2. Last evaluated: 2024-02-25. Review status: criteria provided, single submitter. Criteria: Invitae Variant Classification Sherloc (09022015). Collection method: clinical testing. Allele origin: germline.
Comment: This sequence change replaces phenylalanine, which is neutral and non-polar, with leucine, which is neutral and non-polar, at codon 559 of the NRXN1 protein (p.Phe559Leu). This variant is not present in population databases (gnomAD no frequency). This variant has not been reported in the literature in individuals affected with NRXN1-related conditions. Advanced modeling of protein sequence and biophysical properties (such as structural, functional, and spatial information, amino acid conservation, physicochemical variation, residue mobility, and thermodynamic stability) performed at Invitae indicates that this missense variant is not expected to disrupt NRXN1 protein function with a negative predictive value of 80%. In summary, the available evidence is currently insufficient to determine the role of this variant in disease. Therefore, it has been classified as a Variant of Uncertain Significance.

Ambry Genetics
Classification: Uncertain significance for Inborn genetic diseases. Last evaluated: 2023-11-06. Review status: criteria provided, single submitter. Criteria: Ambry Variant Classification Scheme 2023. Collection method: clinical testing. Allele origin: germline.

NM_001330078.2(NRXN1):c.1555T>C (p.Phe519Leu)

Gene: NRXN1 (neurexin 1; minus strand). Cytogenetic location: 2p16.3.
Variant type: single nucleotide variant.
Coding change: c.1555T>C on transcript NM_001330078.2 (MANE Select); coding-DNA position 1555, T replaced by C.
Protein change: p.Phe519Leu; replaces phenylalanine 519 with leucine.
Molecular consequence: missense variant.
Genome position (GRCh38, 1-based): chr2:50,552,791, A>G on the plus strand (T>C on the coding strand, the complement: NRXN1 is on the minus strand). VCF-style: chr2-50552791-A-G. GRCh37 (hg19) VCF-style: chr2-50779929-A-G.
Other names: c.1675T>C (NM_001135659.1); c.1675T>C, p.Phe559Leu (NM_001135659.3); c.1531T>C, p.Phe511Leu (NM_001330077.2, NM_001330082.2, NM_001330095.2); c.1516T>C, p.Phe506Leu (NM_001330083.2, NM_001330084.2); c.1555T>C, p.Phe519Leu (NM_001330085.2, NM_001330086.2, NM_004801.6); c.1471T>C, p.Phe491Leu (NM_001330087.2, NM_001330096.2); c.1501T>C, p.Phe501Leu (NM_001330088.2); c.1552T>C, p.Phe518Leu (NM_001330093.2); and 1 more; short protein forms F491L, F511L, F518L, F559L, F506L, F515L, F501L, F519L.
Identifiers: ClinVar variation 2793004 (VCV002793004.4), dbSNP rs1667719596, ClinGen allele CA346773502.